The following is an entry in ClinVar:

ClinVar aggregate classification (germline): Uncertain significance. Review status: criteria provided, multiple submitters, no conflicts (2 of 4 stars). 3 submissions from 3 submitters: Uncertain significance (3). Last evaluated 2024-01-11.

Conditions:
Inborn genetic diseases. Identifiers: MedGen C0950123, MeSH D030342.

Allele frequency attached by ClinVar (database versions not stated): ESP Exome Variant Server 0.00008; gnomAD exomes 0.00010; gnomAD 0.00012; ExAC 0.00015; TOPMed 0.00020.
gnomAD v4.1: 190 of 1,613,968 alleles (0.012%); highest among the groups gnomAD compares: Middle Eastern, 0.15%; no homozygotes.

Submissions (3):

Blueprint Genetics
Classification: Uncertain significance. Last evaluated: 2024-01-11. Review status: criteria provided, single submitter. Criteria: ACMG Guidelines, 2015. Collection method: clinical testing. Allele origin: germline.

Labcorp Genetics (formerly Invitae), Labcorp
Classification: Uncertain significance. Last evaluated: 2023-11-10. Review status: criteria provided, single submitter. Criteria: Invitae Variant Classification Sherloc (09022015). Collection method: clinical testing. Allele origin: germline.
Comment: This sequence change replaces serine, which is neutral and polar, with asparagine, which is neutral and polar, at codon 476 of the TENM3 protein (p.Ser476Asn). This variant is present in population databases (rs377048617, gnomAD 0.1%). This variant has not been reported in the literature in individuals affected with TENM3-related conditions. ClinVar contains an entry for this variant (Variation ID: 2410776). Advanced modeling of protein sequence and biophysical properties (such as structural, functional, and spatial information, amino acid conservation, physicochemical variation, residue mobility, and thermodynamic stability) performed at Invitae indicates that this missense variant is not expected to disrupt TENM3 protein function with a negative predictive value of 80%. In summary, the available evidence is currently insufficient to determine the role of this variant in disease. Therefore, it has been classified as a Variant of Uncertain Significance.

Ambry Genetics
Classification: Uncertain significance for Inborn genetic diseases. Last evaluated: 2021-06-15. Review status: criteria provided, single submitter. Criteria: Ambry Variant Classification Scheme 2023. Collection method: clinical testing. Allele origin: germline.

NM_001080477.4(TENM3):c.1427G>A (p.Ser476Asn)

Gene: TENM3 (teneurin transmembrane protein 3; plus strand). Cytogenetic location: 4q35.1.
Variant type: single nucleotide variant.
Coding change: c.1427G>A on transcript NM_001080477.4 (MANE Select); coding-DNA position 1427, G replaced by A.
Protein change: p.Ser476Asn; replaces serine 476 with asparagine.
Molecular consequence: missense variant.
Genome position (GRCh38, 1-based): chr4:182,679,766, G>A. VCF-style: chr4-182679766-G-A. GRCh37 (hg19) VCF-style: chr4-183600919-G-A.
Other names: c.611G>A, p.Ser204Asn (NM_001415960.1, NM_001415961.1, NM_001415962.1 and 2 more transcripts); c.1148G>A, p.Ser383Asn (NM_001415966.1, NM_001415967.1, NM_001415976.1 and 1 more transcripts); c.1427G>A, p.Ser476Asn (NM_001415968.1, NM_001415969.1, NM_001415970.1 and 4 more transcripts); short protein forms S383N, S476N, S204N.
Identifiers: ClinVar variation 2410776 (VCV002410776.4), dbSNP rs377048617, ClinGen allele CA3147687.